The following is an entry in ClinVar:

ClinVar aggregate classification (germline): Conflicting classifications of pathogenicity. Review status: criteria provided, conflicting classifications (1 of 4 stars). 7 submissions from 7 submitters: Uncertain significance (3); Likely benign (3). 1 of the submissions does not count toward it. Last evaluated 2026-04-27.

Conditions:
Roberts-SC phocomelia syndrome (RBS). Also called: ESCO2 Spectrum Disorder; Hypomelia hypotrichosis facial hemangioma syndrome; Pseudothalidomide syndrome; Appelt-Gerken-Lenz syndrome; LONG BONE DEFICIENCIES ASSOCIATED WITH CLEFT LIP-PALATE. Identifiers: Orphanet 3103, MedGen C0392475, MONDO:0100253, OMIM 268300.
Inborn genetic diseases. Identifiers: MedGen C0950123, MeSH D030342.
ESCO2-related disorder. Also called: ESCO2-related condition.

Allele frequency attached by ClinVar (database versions not stated): 1000 Genomes Project 30x 0.00031; 1000 Genomes Project 0.00040; gnomAD 0.00052 and 0.00058; gnomAD exomes 0.00058 and 0.00073; TOPMed 0.00060; ExAC 0.00061; ESP Exome Variant Server 0.00077.
gnomAD v4.1: 1,147 of 1,611,118 alleles (0.071%); highest among the groups gnomAD compares: Non-Finnish European, 0.088%; 2 homozygotes.

Submissions (7):

Ambry Genetics
Classification: Likely benign for Inborn genetic diseases. Last evaluated: 2026-04-27. Review status: criteria provided, single submitter. Criteria: Ambry Variant Classification Scheme 2023. Collection method: clinical testing. Allele origin: germline.

Labcorp Genetics (formerly Invitae), Labcorp
Classification: Likely benign. Last evaluated: 2026-01-19. Review status: criteria provided, single submitter. Criteria: Invitae Variant Classification Sherloc (09022015). Collection method: clinical testing. Allele origin: germline.

Blueprint Genetics
Classification: Likely benign. Last evaluated: 2024-10-09. Review status: criteria provided, single submitter. Criteria: ACMG Guidelines, 2015. Collection method: clinical testing. Allele origin: germline.

Genetic Services Laboratory, University of Chicago
Classification: Uncertain significance. Last evaluated: 2018-11-08. Review status: criteria provided, single submitter. Criteria: ACMG Guidelines, 2015. Collection method: clinical testing. Allele origin: germline. Affected: no.

Illumina Laboratory Services, Illumina
Classification: Uncertain significance for Roberts-SC phocomelia syndrome. Last evaluated: 2018-01-13. Review status: criteria provided, single submitter. Criteria: ICSL Variant Classification Criteria 13 December 2019. Collection method: clinical testing. Allele origin: germline.

Eurofins Ntd Llc (ga)
Classification: Uncertain significance. Last evaluated: 2017-08-22. Review status: criteria provided, single submitter. Criteria: EGL Classification Definitions 2015. Collection method: clinical testing. Allele origin: germline. Observed: 1 variant allele, 1 heterozygote.

PreventionGenetics, part of Exact Sciences
Classification: Uncertain significance for ESCO2-related condition. Last evaluated: 2024-07-22. Review status: no assertion criteria provided. Collection method: clinical testing. Allele origin: germline. Not counted in ClinVar's aggregate classification.
Comment: The ESCO2 c.929A>T variant is predicted to result in the amino acid substitution p.Glu310Val. To our knowledge, this variant has not been reported in the literature. This variant is reported in 0.097% of alleles in individuals of European (Non-Finnish) descent in gnomAD. Although we suspect that this variant may be benign, at this time, the clinical significance of this variant is uncertain due to the absence of conclusive functional and genetic evidence.

NM_001017420.3(ESCO2):c.929A>T (p.Glu310Val)

Gene: ESCO2 (establishment of sister chromatid cohesion N-acetyltransferase 2; plus strand). Cytogenetic location: 8p21.1.
Variant type: single nucleotide variant.
Coding change: c.929A>T on transcript NM_001017420.3 (MANE Select); coding-DNA position 929, A replaced by T.
Protein change: p.Glu310Val; replaces glutamic acid 310 with valine.
Molecular consequence: missense variant.
Genome position (GRCh38, 1-based): chr8:27,780,241, A>T. VCF-style: chr8-27780241-A-T. GRCh37 (hg19) VCF-style: chr8-27637758-A-T.
Other names: short protein forms E310V.
Identifiers: ClinVar variation 593536 (VCV000593536.24), dbSNP rs145734811, ClinGen allele CA4692155.
Genomic context (GRCh38, chr8:27,780,241, plus strand): 5'-CAGATGACAGAGTTTCTTCAAAGGAACATAAAGTTGATAAAAATGAGGCTTTTTCTTCAG[A>T]GGATTCTCTTGGTGAGAATAAGACAAGTAAGAGAAAACTCGCATGAATTTAGCTGCTTAA-3'
Protein context (NP_001017420.1, residues 300-320): KVDKNEAFSS[Glu310Val]DSLGENKTIS